The following is an entry in ClinVar:

ClinVar aggregate classification (germline): Uncertain significance (1 of 4 stars; one submission).

Conditions:
Hereditary pancreatitis (PCTT). Also called: Hereditary chronic pancreatitis; PRSS1-Related Hereditary Pancreatitis. Identifiers: Orphanet 676, MedGen C0238339, MONDO:0008185, OMIM 167800.

Submission:

Ambry Genetics
Classification: Uncertain significance for Hereditary pancreatitis. Last evaluated: 2026-02-16. Review status: criteria provided, single submitter. Criteria: Ambry Variant Classification Scheme 2023. Collection method: clinical testing. Allele origin: germline.
Comment: The p.S236G variant (also known as c.706A>G), located in coding exon 7 of the CTRC gene, results from an A to G substitution at nucleotide position 706. The serine at codon 236 is replaced by glycine, an amino acid with similar properties. This amino acid position is conserved. In addition, this alteration is predicted to be deleterious by in silico analysis. Based on the available evidence, the clinical significance of this variant remains unclear.

NM_007272.3(CTRC):c.706A>G (p.Ser236Gly)

Gene: CTRC (chymotrypsin C; plus strand). Cytogenetic location: 1p36.21.
Variant type: single nucleotide variant.
Coding change: c.706A>G on transcript NM_007272.3 (MANE Select); coding-DNA position 706, A replaced by G.
Protein change: p.Ser236Gly; replaces serine 236 with glycine.
Molecular consequence: missense variant.
Genome position (GRCh38, 1-based): chr1:15,445,663, A>G. VCF-style: chr1-15445663-A-G. GRCh37 (hg19) VCF-style: chr1-15772158-A-G.
Other names: short protein forms S236G.
Identifiers: ClinVar variation 4845092 (VCV004845092.1).